The following is an entry in ClinVar:

NM_002691.4(POLD1):c.1339A>G (p.Lys447Glu)

Gene: POLD1 (DNA polymerase delta 1, catalytic subunit; plus strand). Cytogenetic location: 19q13.33.
Variant type: single nucleotide variant.
Coding change: c.1339A>G on transcript NM_002691.4 (MANE Select); coding-DNA position 1339, A replaced by G.
Protein change: p.Lys447Glu; replaces lysine 447 with glutamic acid.
Molecular consequence: missense variant. On other transcripts: non-coding transcript variant (1).
Genome position (GRCh38, 1-based): chr19:50,406,278, A>G. VCF-style: chr19-50406278-A-G. GRCh37 (hg19) VCF-style: chr19-50909535-A-G.
Other names: c.1339A>G, p.Lys447Glu (NM_001256849.1, NM_001308632.1); short protein forms K447E.
Identifiers: ClinVar variation 935027 (VCV000935027.9), dbSNP rs2038876135, ClinGen allele CA406979902.
Genomic context (GRCh38, chr19:50,406,278, plus strand): 5'-CTTTGCTCCAACATCCGGGACTCTTCATTCCAGTCCAAGCAGACGGGCCGGCGGGACACC[A>G]AGGTTGTCAGCATGGTGGGCCGCGTGCAGATGGACATGCTGCAGGTATGGGCGGGAGGTG-3'
Protein context (NP_002682.2, residues 437-457): QSKQTGRRDT[Lys447Glu]VVSMVGRVQM

ClinVar aggregate classification (germline): Uncertain significance (1 of 4 stars; one submission).

Conditions:
POLD1-related polyposis and colorectal cancer syndrome (CRCS10). Also called: Colorectal cancer 10; COLORECTAL CANCER, SUSCEPTIBILITY TO, ON CHROMOSOME 19q; Colorectal cancer, susceptibility to, 10. Identifiers: Orphanet 220460, MedGen C2675481, MONDO:0012953, OMIM 612591.

Submission:

Labcorp Genetics (formerly Invitae), Labcorp
Classification: Uncertain significance for POLD1-related polyposis and colorectal cancer syndrome. Last evaluated: 2023-09-06. Review status: criteria provided, single submitter. Criteria: Invitae Variant Classification Sherloc (09022015). Collection method: clinical testing. Allele origin: germline.
Comment: In summary, the available evidence is currently insufficient to determine the role of this variant in disease. Therefore, it has been classified as a Variant of Uncertain Significance. Advanced modeling of protein sequence and biophysical properties (such as structural, functional, and spatial information, amino acid conservation, physicochemical variation, residue mobility, and thermodynamic stability) performed at Invitae indicates that this missense variant is not expected to disrupt POLD1 protein function. ClinVar contains an entry for this variant (Variation ID: 935027). This variant has not been reported in the literature in individuals affected with POLD1-related conditions. This variant is not present in population databases (gnomAD no frequency). This sequence change replaces lysine, which is basic and polar, with glutamic acid, which is acidic and polar, at codon 447 of the POLD1 protein (p.Lys447Glu).